The following is an entry in ClinVar:

NM_001039958.2(MESP2):c.266G>A (p.Arg89Gln)

Genes: MESP2 (mesoderm posterior bHLH transcription factor 2; plus strand), LOC130057891 (ATAC-STARR-seq lymphoblastoid silent region 6806; plus strand). Cytogenetic location: 15q26.1.
Variant type: single nucleotide variant.
Coding change: c.266G>A on transcript NM_001039958.2 (MANE Select); coding-DNA position 266, G replaced by A.
Protein change: p.Arg89Gln; replaces arginine 89 with glutamine.
Molecular consequence: missense variant.
Genome position (GRCh38, 1-based): chr15:89,776,623, G>A. VCF-style: chr15-89776623-G-A. GRCh37 (hg19) VCF-style: chr15-90319854-G-A.
Other names: c.266G>A (NM_001039958.1); short protein forms R89Q.
Identifiers: ClinVar variation 1421929 (VCV001421929.7), dbSNP rs1390769046, ClinGen allele CA393769434.

ClinVar aggregate classification (germline): Uncertain significance. Review status: criteria provided, multiple submitters, no conflicts (2 of 4 stars). 2 submissions from 2 submitters: Uncertain significance (2). Last evaluated 2024-09-26.

Conditions:
Inborn genetic diseases. Identifiers: MedGen C0950123, MeSH D030342.

Allele frequency attached by ClinVar (database versions not stated): gnomAD exomes below 0.00001.

Submissions (2):

Ambry Genetics
Classification: Uncertain significance for Inborn genetic diseases. Last evaluated: 2024-09-26. Review status: criteria provided, single submitter. Criteria: Ambry Variant Classification Scheme 2023. Collection method: clinical testing. Allele origin: germline.

Labcorp Genetics (formerly Invitae), Labcorp
Classification: Uncertain significance. Last evaluated: 2021-08-23. Review status: criteria provided, single submitter. Criteria: Invitae Variant Classification Sherloc (09022015). Collection method: clinical testing. Allele origin: germline.
Comment: Algorithms developed to predict the effect of missense changes on protein structure and function are either unavailable or do not agree on the potential impact of this missense change (SIFT: "Deleterious"; PolyPhen-2: "Probably Damaging"; Align-GVGD: "Class C0"). In summary, the available evidence is currently insufficient to determine the role of this variant in disease. Therefore, it has been classified as a Variant of Uncertain Significance. This missense change has been observed in individual(s) with spondylocostal dysostosis (Invitae). In at least one individual the data is consistent with the variant being in trans (on the opposite chromosome) from a pathogenic variant. The frequency data for this variant in the population databases is considered unreliable, as metrics indicate insufficient coverage at this position in the ExAC database. This sequence change replaces arginine with glutamine at codon 89 of the MESP2 protein (p.Arg89Gln). The arginine residue is moderately conserved and there is a small physicochemical difference between arginine and glutamine.